The following is an entry in ClinVar:

ClinVar aggregate classification (germline): Conflicting classifications of pathogenicity. Review status: criteria provided, conflicting classifications (1 of 4 stars). 7 submissions from 7 submitters: Uncertain significance (1); Likely benign (5). 1 of the submissions does not count toward it. Last evaluated 2025-11-05.

Conditions:
Rubinstein-Taybi syndrome (RSTS). Identifiers: Orphanet 783, MedGen C0035934, MONDO:0019188.
CREBBP-related disorder. Also called: CREBBP-related condition; CREBBP-related disorders.
Inborn genetic diseases. Identifiers: MedGen C0950123, MeSH D030342.
Intellectual disability. Also called: Intellectual developmental disorder; intellectual disabilities; Intellectual functioning disability. Identifiers: MedGen C3714756, MeSH D008607, MONDO:0001071, HP:0001249.

Allele frequency attached by ClinVar (database versions not stated): ExAC 0.00009; gnomAD 0.00015 and 0.00017; TOPMed 0.00019; ESP Exome Variant Server 0.00031.
gnomAD v4.1: 418 of 1,613,774 alleles (0.026%); highest among the groups gnomAD compares: Non-Finnish European, 0.032%; no homozygotes.

Submissions (7):

Labcorp Genetics (formerly Invitae), Labcorp
Classification: Likely benign for Rubinstein-Taybi syndrome. Last evaluated: 2025-11-05. Review status: criteria provided, single submitter. Criteria: Invitae Variant Classification Sherloc (09022015). Collection method: clinical testing. Allele origin: germline.

Blueprint Genetics
Classification: Likely benign. Last evaluated: 2024-07-12. Review status: criteria provided, single submitter. Criteria: ACMG Guidelines, 2015. Collection method: clinical testing. Allele origin: germline.

GeneDx
Classification: Likely benign. Last evaluated: 2020-10-19. Review status: criteria provided, single submitter. Criteria: GeneDx Variant Classification Process June 2021. Collection method: clinical testing. Allele origin: germline. Affected: yes.

Cambridge Genomics Laboratory, East Genomic Laboratory Hub, NHS Genomic Medicine Service
Classification: Likely benign for Intellectual disability. Last evaluated: 2019-11-26. Review status: criteria provided, single submitter. Criteria: ACGS Best Practice Guidelines for Variant Classification in Rare Disease 2020. Collection method: clinical testing. Allele origin: germline. Affected: yes. Observed: 1 variant allele.

Ambry Genetics
Classification: Likely benign for Inborn genetic diseases. Last evaluated: 2018-01-31. Review status: criteria provided, single submitter. Criteria: Ambry Variant Classification Scheme 2023. Collection method: clinical testing. Allele origin: germline.

Eurofins Ntd Llc (ga)
Classification: Uncertain significance. Last evaluated: 2017-01-23. Review status: criteria provided, single submitter. Criteria: EGL Classification Definitions 2015. Collection method: clinical testing. Allele origin: germline. Observed: 1 variant allele, 1 heterozygote.

PreventionGenetics, part of Exact Sciences
Classification: Likely benign for CREBBP-related condition. Last evaluated: 2021-07-16. Review status: no assertion criteria provided. Collection method: clinical testing. Allele origin: germline. Not counted in ClinVar's aggregate classification.
Comment: This variant is classified as likely benign based on ACMG/AMP sequence variant interpretation guidelines (Richards et al. 2015 PMID: 25741868, with internal and published modifications).

NM_004380.3(CREBBP):c.6340G>A (p.Gly2114Ser)

Gene: CREBBP (CREB binding lysine acetyltransferase; minus strand). Cytogenetic location: 16p13.3.
Variant type: single nucleotide variant.
Coding change: c.6340G>A on transcript NM_004380.3 (MANE Select); coding-DNA position 6340, G replaced by A.
Protein change: p.Gly2114Ser; replaces glycine 2114 with serine.
Molecular consequence: missense variant.
Genome position (GRCh38, 1-based): chr16:3,728,707, C>T on the plus strand (G>A on the coding strand, the complement: CREBBP is on the minus strand). VCF-style: chr16-3728707-C-T. GRCh37 (hg19) VCF-style: chr16-3778708-C-T.
Other names: c.6226G>A, p.Gly2076Ser (NM_001079846.1); short protein forms G2114S, G2076S.
Identifiers: ClinVar variation 499934 (VCV000499934.24), dbSNP rs139169188, ClinGen allele CA7869138.